The following is an entry in ClinVar:

ClinVar aggregate classification (germline): Pathogenic. Review status: criteria provided, multiple submitters, no conflicts (2 of 4 stars). 2 submissions from 2 submitters: Pathogenic (2). Last evaluated 2024-06-24.

Conditions:
Malan overgrowth syndrome (MALNS). Also called: NFIX-Related Malan Syndrome; Sotos syndrome 2; MALAN SYNDROME. Identifiers: Orphanet 420179, MedGen C3553660, MONDO:0013885, OMIM 614753.
Marshall-Smith syndrome (MRSHSS). Identifiers: Orphanet 561, MedGen C0265211, MONDO:0011244, OMIM 602535.

Submissions (2):

Fulgent Genetics
Classification: Pathogenic for Marshall-Smith syndrome; Malan overgrowth syndrome. Last evaluated: 2024-06-24. Review status: criteria provided, single submitter. Criteria: ACMG Guidelines, 2015. Collection method: clinical testing. Allele origin: germline.

Labcorp Genetics (formerly Invitae), Labcorp
Classification: Pathogenic for Malan overgrowth syndrome; Marshall-Smith syndrome. Last evaluated: 2022-08-12. Review status: criteria provided, single submitter. Criteria: Invitae Variant Classification Sherloc (09022015). Collection method: clinical testing. Allele origin: germline.
Comment: This variant is not present in population databases (gnomAD no frequency). For these reasons, this variant has been classified as Pathogenic. This variant is also known as p.Gln155X. This premature translational stop signal has been observed in individual(s) with NFIX-related conditions (PMID: 28475857, 29897170). This sequence change creates a premature translational stop signal (p.Gln163*) in the NFIX gene. It is expected to result in an absent or disrupted protein product. Loss-of-function variants in NFIX are known to be pathogenic (PMID: 20673863, 20949508, 24924640, 25118028).

Literature cited by the submitters: PubMed 28475857 (cited by Labcorp Genetics (formerly Invitae), Labcorp); PubMed 29897170 (cited by Labcorp Genetics (formerly Invitae), Labcorp); PubMed 20673863 (cited by Labcorp Genetics (formerly Invitae), Labcorp); PubMed 20949508 (cited by Labcorp Genetics (formerly Invitae), Labcorp); PubMed 24924640 (cited by Labcorp Genetics (formerly Invitae), Labcorp); PubMed 25118028 (cited by Labcorp Genetics (formerly Invitae), Labcorp).

NM_001365902.3(NFIX):c.463C>T (p.Gln155Ter)

Gene: NFIX (nuclear factor I X; plus strand). Cytogenetic location: 19p13.13.
Variant type: single nucleotide variant.
Coding change: c.463C>T on transcript NM_001365902.3 (MANE Select); coding-DNA position 463, C replaced by T.
Protein change: p.Gln155Ter; replaces glutamine 155 with a stop codon.
Molecular consequence: nonsense.
Genome position (GRCh38, 1-based): chr19:13,025,456, C>T. VCF-style: chr19-13025456-C-T. GRCh37 (hg19) VCF-style: chr19-13136270-C-T.
Other names: c.487C>T, p.Gln163Ter (NM_001271043.2); c.439C>T, p.Gln147Ter (NM_001271044.3, NM_001378404.1); c.463C>T, p.Gln155Ter (NM_001365982.2, NM_002501.4); c.322C>T, p.Gln108Ter (NM_001365983.2); c.460C>T, p.Gln154Ter (NM_001365984.2, NM_001365985.2); c.511C>T, p.Gln171Ter (NM_001378405.1); short protein forms Q155*, Q171*, Q108*, Q147*, Q163*, Q154*.
Identifiers: ClinVar variation 2138253 (VCV002138253.5), dbSNP rs2512746910, ClinGen allele CA404315412.